The following is an entry in ClinVar:

NM_175914.5(HNF4A):c.*987G>T

Gene: HNF4A (hepatocyte nuclear factor 4 alpha; plus strand). Cytogenetic location: 20q13.12.
Variant type: single nucleotide variant.
Coding change: c.*987G>T on transcript NM_175914.5 (MANE Select); 987 bases downstream of the stop codon, G replaced by T.
Molecular consequence: 3 prime UTR variant.
Genome position (GRCh38, 1-based): chr20:44,430,652, G>T. VCF-style: chr20-44430652-G-T. GRCh37 (hg19) VCF-style: chr20-43059292-G-T.
Other names: c.*987G>T (NM_000457.6, NM_001030003.3, NM_001258355.2 and 3 more transcripts).
Identifiers: ClinVar variation 338452 (VCV000338452.6), dbSNP rs886056684, ClinGen allele CA10643897.
Genomic context (GRCh38, chr20:44,430,652, plus strand): 5'-AGAATTGAGGAAGAATGGTGTGGGAGAGGGATGATGAAGAGAGAGAGGGCCTGCTGGAGA[G>T]CATAGGGTCTGGAACACCAGGCTGAGGTCCTGATCAGCTTCAAGGAGTATGCAGGGAGCT-3'

ClinVar aggregate classification (germline): Conflicting classifications of pathogenicity. Review status: criteria provided, conflicting classifications (1 of 4 stars). 3 submissions from 2 submitters: Uncertain significance (2); Benign (1). Last evaluated 2018-01-12.

Conditions:
Familial hyperinsulinism. Also called: Congenital hyperinsulinism. Identifiers: Orphanet 276525, MedGen C3888018, MONDO:0017182. Disease mechanism: loss of function.
Maturity-onset diabetes of the young (MODY). Also called: Maturity onset diabetes mellitus in young. Identifiers: Orphanet 552, MedGen C0342276, MONDO:0018911, HP:0004904.
Maturity-onset diabetes of the young type 1. Also called: MILD JUVENILE DIABETES MELLITUS; MODY, type I; MODY type 1; Diabetes mellitus MODY type 1; MODY HNF4A related; HNF4A-Related Maturity-Onset Diabetes of the Young Type 1. Identifiers: Orphanet 552, MedGen C1852093, MONDO:0007452, OMIM 125850. Disease mechanism: loss of function.

Submissions (3):

Illumina Laboratory Services, Illumina
Classification: Uncertain significance for Familial hyperinsulinism. Last evaluated: 2018-01-12. Review status: criteria provided, single submitter. Criteria: ICSL Variant Classification Criteria 13 December 2019. Collection method: clinical testing. Allele origin: germline.

Illumina Laboratory Services, Illumina
Classification: Uncertain significance for Maturity-onset diabetes of the young type 1. Last evaluated: 2018-01-12. Review status: criteria provided, single submitter. Criteria: ICSL Variant Classification Criteria 13 December 2019. Collection method: clinical testing. Allele origin: germline.

Clinical Genomics, Uppaluri K&H Personalized Medicine Clinic
Classification: Benign for Maturity-onset diabetes of the young. Review status: criteria provided, single submitter. Criteria: K & H Uppaluri Personalized Medicine Clinic Variant Classification & Assertion Criteria_Updated V.1. Collection method: research. Allele origin: unknown. Inheritance: Autosomal dominant inheritance.
Comment: Potent mutations in HNF4A are associated with poor insulin secretion in response to hyperglycemia. Associated with MODY1. Patients initially respond well to sulfonylureas but eventually become insulin dependent. However, more evidence is required to ascertain the role of this particular variant rs886056684 in MODY, yet.

Literature cited by the submitters: DOI 10.1159/000334532 (cited by Clinical Genomics, Uppaluri K&H Personalized Medicine Clinic); PubMed 18268044 (cited by Clinical Genomics, Uppaluri K&H Personalized Medicine Clinic); PubMed 17563455 (cited by Clinical Genomics, Uppaluri K&H Personalized Medicine Clinic); PubMed 32583173 (cited by Clinical Genomics, Uppaluri K&H Personalized Medicine Clinic); PubMed 35052457 (cited by Clinical Genomics, Uppaluri K&H Personalized Medicine Clinic); PubMed 35118593 (cited by Clinical Genomics, Uppaluri K&H Personalized Medicine Clinic).